The following is an entry in ClinVar:

ClinVar aggregate classification (germline): Likely benign (1 of 4 stars; one submission).

Allele frequency attached by ClinVar (database versions not stated): 1000 Genomes Project 30x 0.00156; 1000 Genomes Project 0.00160; ESP Exome Variant Server 0.00192; gnomAD exomes 0.00192; gnomAD 0.00215; TOPMed 0.00251; ExAC 0.00287.
gnomAD v4.1: 3,200 of 1,613,800 alleles (0.2%); highest among the groups gnomAD compares: Middle Eastern, 2.4%; 14 homozygotes.

Submission:

CeGaT Center for Human Genetics Tuebingen
Classification: Likely benign. Last evaluated: 2023-04-01. Review status: criteria provided, single submitter. Criteria: CeGaT Center For Human Genetics Tuebingen Variant Classification Criteria Version 2. Collection method: clinical testing. Allele origin: germline. Affected: yes. Observed: 1 variant allele.
Comment: MPRIP: BP4, BP7

NM_001364716.4(MPRIP):c.585A>G (p.Lys195=)

Gene: MPRIP (myosin phosphatase Rho interacting protein; plus strand). Cytogenetic location: 17p11.2.
Variant type: single nucleotide variant.
Coding change: c.585A>G on transcript NM_001364716.4 (MANE Select); coding-DNA position 585, A replaced by G.
Protein change: p.Lys195=; no amino-acid change (lysine 195 retained).
Molecular consequence: synonymous variant.
Genome position (GRCh38, 1-based): chr17:17,136,299, A>G. VCF-style: chr17-17136299-A-G. GRCh37 (hg19) VCF-style: chr17-17039613-A-G.
Other names: c.585A>G, p.Lys195= (NM_015134.4, NM_201274.4).
Identifiers: ClinVar variation 2647510 (VCV002647510.24), dbSNP rs147247641, ClinGen allele CA8414465.